The following is an entry in ClinVar:

NM_203395.3(IYD):c.178+9A>G

Gene: IYD (iodotyrosine deiodinase; plus strand). Cytogenetic location: 6q25.1.
Variant type: single nucleotide variant.
Coding change: c.178+9A>G on transcript NM_203395.3 (MANE Select); 9 bases into the intron after coding-DNA position 178, A replaced by G.
Molecular consequence: intron variant.
Genome position (GRCh38, 1-based): chr6:150,369,218, A>G. VCF-style: chr6-150369218-A-G. GRCh37 (hg19) VCF-style: chr6-150690354-A-G.
Other names: c.178+9A>G (NM_001164695.2, NM_001164694.2); c.-1+9A>G (NM_001318495.2).
Identifiers: ClinVar variation 3355508 (VCV003355508.1).

ClinVar aggregate classification (germline): Likely benign (0 of 4 stars; one submission).

Conditions:
IYD-related disorder. Also called: IYD-related condition.

gnomAD v4.1: 12 of 1,610,874 alleles (0.00074%); highest among the groups gnomAD compares: Non-Finnish European, 0.00093%; no homozygotes.

Submission:

PreventionGenetics, part of Exact Sciences
Classification: Likely benign for IYD-related condition. Last evaluated: 2019-10-28. Review status: no assertion criteria provided. Collection method: clinical testing. Allele origin: germline.
Comment: This variant is classified as likely benign based on ACMG/AMP sequence variant interpretation guidelines (Richards et al. 2015 PMID: 25741868, with internal and published modifications).